The following is an entry in ClinVar:

ClinVar aggregate classification (germline): Conflicting classifications of pathogenicity. Review status: criteria provided, conflicting classifications (1 of 4 stars). 3 submissions from 3 submitters: Pathogenic (1); Uncertain significance (2). Last evaluated 2026-03-11.

Conditions:
Deficiency of isobutyryl-CoA dehydrogenase. Also called: ACYL-CoA DEHYDROGENASE FAMILY, MEMBER 8, DEFICIENCY OF; ACAD8 DEFICIENCY; IBD DEFICIENCY. Identifiers: Orphanet 79159, MedGen C1969809, MONDO:0012648, OMIM 611283.

Allele frequency attached by ClinVar (database versions not stated): gnomAD 0.00004; TOPMed 0.00005; 1000 Genomes Project 0.00040; 1000 Genomes Project 30x 0.00047.

Submissions (3):

Stanford Starfish Project, Stanford University
Classification: Pathogenic for Deficiency of isobutyryl-CoA dehydrogenase. Last evaluated: 2026-03-11. Review status: criteria provided, single submitter. Criteria: ACMG Guidelines, 2015. Collection method: provider interpretation. Allele origin: germline. Inheritance: Autosomal recessive inheritance. Affected: yes. Observed: 1 variant allele, 1 homozygote.
Comment: This variant is predicted to result in the substitution of methionine by threonine at amino acid 322 (p.Met322Thr). This variant is rare in large population databases with an allele frequency of 0.004213%. Algorithms developed to predict the effect of missense changes on protein structure and function (SIFT, PolyPhen-2, Align-GVGD) all suggest that this variant is likely to be disruptive. See Observation 1 for details on clinical features.

Labcorp Genetics (formerly Invitae), Labcorp
Classification: Uncertain significance for Deficiency of isobutyryl-CoA dehydrogenase. Last evaluated: 2025-06-29. Review status: criteria provided, single submitter. Criteria: Invitae Variant Classification Sherloc (09022015). Collection method: clinical testing. Allele origin: germline.
Comment: This sequence change replaces methionine, which is neutral and non-polar, with threonine, which is neutral and polar, at codon 322 of the ACAD8 protein (p.Met322Thr). This variant is present in population databases (rs577976129, gnomAD 0.006%). This missense change has been observed in individual(s) with clinical features of ACAD8-related conditions (internal data). ClinVar contains an entry for this variant (Variation ID: 166633). Invitae Evidence Modeling of protein sequence and biophysical properties (such as structural, functional, and spatial information, amino acid conservation, physicochemical variation, residue mobility, and thermodynamic stability) has been performed for this missense variant. However, the output from this modeling did not meet the statistical confidence thresholds required to predict the impact of this variant on ACAD8 protein function. In summary, the available evidence is currently insufficient to determine the role of this variant in disease. Therefore, it has been classified as a Variant of Uncertain Significance.

Eurofins Ntd Llc (ga)
Classification: Uncertain significance. Last evaluated: 2014-02-14. Review status: criteria provided, single submitter. Criteria: EGL Classification Definitions 2015. Collection method: clinical testing. Allele origin: germline. Observed: 2 variant alleles, 2 heterozygotes.

NM_014384.3(ACAD8):c.965T>C (p.Met322Thr)

Gene: ACAD8 (acyl-CoA dehydrogenase family member 8; plus strand). Cytogenetic location: 11q25.
Variant type: single nucleotide variant.
Coding change: c.965T>C on transcript NM_014384.3 (MANE Select); coding-DNA position 965, T replaced by C.
Protein change: p.Met322Thr; replaces methionine 322 with threonine.
Molecular consequence: missense variant.
Genome position (GRCh38, 1-based): chr11:134,261,763, T>C. VCF-style: chr11-134261763-T-C. GRCh37 (hg19) VCF-style: chr11-134131657-T-C.
Identifiers: ClinVar variation 166633 (VCV000166633.12), dbSNP rs577976129, ClinGen allele CA233422.